The following is an entry in ClinVar:

ClinVar aggregate classification (germline): Uncertain significance (1 of 4 stars; one submission).

Conditions:
Adams-Oliver syndrome 5 (AOS5). Identifiers: Orphanet 974, MedGen C4014970, MONDO:0014459, OMIM 616028.

gnomAD v4.1: 4 of 1,375,276 alleles (0.00029%); highest among the groups gnomAD compares: South Asian, 0.0048%; no homozygotes.

Submission:

Labcorp Genetics (formerly Invitae), Labcorp
Classification: Uncertain significance for Adams-Oliver syndrome 5. Last evaluated: 2024-07-24. Review status: criteria provided, single submitter. Criteria: Invitae Variant Classification Sherloc (09022015). Collection method: clinical testing. Allele origin: germline.
Comment: This sequence change replaces leucine, which is neutral and non-polar, with phenylalanine, which is neutral and non-polar, at codon 9 of the NOTCH1 protein (p.Leu9Phe). This variant is not present in population databases (gnomAD no frequency). This variant has not been reported in the literature in individuals affected with NOTCH1-related conditions. Advanced modeling of protein sequence and biophysical properties (such as structural, functional, and spatial information, amino acid conservation, physicochemical variation, residue mobility, and thermodynamic stability) performed at Invitae indicates that this missense variant is not expected to disrupt NOTCH1 protein function with a negative predictive value of 95%. In summary, the available evidence is currently insufficient to determine the role of this variant in disease. Therefore, it has been classified as a Variant of Uncertain Significance.

NM_017617.5(NOTCH1):c.25C>T (p.Leu9Phe)

Genes: NOTCH1 (notch receptor 1; minus strand), LOC130003020 (ATAC-STARR-seq lymphoblastoid silent region 20528; plus strand). Cytogenetic location: 9q34.3.
Variant type: single nucleotide variant.
Coding change: c.25C>T on transcript NM_017617.5 (MANE Select); coding-DNA position 25, C replaced by T.
Protein change: p.Leu9Phe; replaces leucine 9 with phenylalanine.
Molecular consequence: missense variant.
Genome position (GRCh38, 1-based): chr9:136,545,762, G>A on the plus strand (C>T on the coding strand, the complement: NOTCH1 is on the minus strand). VCF-style: chr9-136545762-G-A. GRCh37 (hg19) VCF-style: chr9-139440214-G-A.
Other names: short protein forms L9F.
Identifiers: ClinVar variation 3603982 (VCV003603982.2).